The following is an entry in ClinVar:

ClinVar aggregate classification (germline): Conflicting classifications of pathogenicity. Review status: criteria provided, conflicting classifications (1 of 4 stars). 6 submissions from 6 submitters: Uncertain significance (3); Likely benign (2). 1 of the submissions does not count toward it. Last evaluated 2026-01-27.

Conditions:
Hereditary cancer-predisposing syndrome. Also called: Hereditary neoplastic syndrome; Tumor predisposition; Hereditary Cancer Syndrome; Neoplastic Syndromes, Hereditary. Identifiers: Orphanet 140162, MedGen C0027672, MeSH D009386, MONDO:0015356.
Hereditary breast ovarian cancer syndrome. Also called: Hereditary breast and/or ovarian cancer syndrome; Breast and ovarian cancer; Hereditary breast and ovarian cancer; Hereditary breast and ovarian cancer syndrome (HBOC); Hereditary breast and ovarian cancer syndrome; BRCA1- and BRCA2-Associated Hereditary Breast and Ovarian Cancer. Identifiers: Orphanet 145, MedGen C0677776, MeSH D061325, MONDO:0003582. Disease mechanism: loss of function.
Breast-ovarian cancer, familial, susceptibility to, 2 (BROVCA2). Also called: BRCA2 Hereditary Breast and Ovarian Cancer. Identifiers: Orphanet 145, MedGen C2675520, MONDO:0012933, OMIM 612555. Disease mechanism: loss of function.

Submissions (6):

Myriad Genetics, Inc.
Classification: Likely benign for Breast-ovarian cancer, familial, susceptibility to, 2. Last evaluated: 2026-01-27. Review status: criteria provided, single submitter. Criteria: Myriad Autosomal Dominant, Autosomal Recessive and X-Linked Classification Criteria (2023). Collection method: clinical testing. Allele origin: unknown.
Comment: This variant is considered likely benign. This variant is strongly associated with less severe personal and family histories of cancer, typical for individuals without pathogenic variants in this gene [PMID: 25085752].

Labcorp Genetics (formerly Invitae), Labcorp
Classification: Uncertain significance for Hereditary breast ovarian cancer syndrome. Last evaluated: 2025-09-11. Review status: criteria provided, single submitter. Criteria: Invitae Variant Classification Sherloc (09022015). Collection method: clinical testing. Allele origin: germline.
Comment: This sequence change replaces serine, which is neutral and polar, with leucine, which is neutral and non-polar, at codon 547 of the BRCA2 protein (p.Ser547Leu). This variant is not present in population databases (gnomAD no frequency). This variant has not been reported in the literature in individuals affected with BRCA2-related conditions. ClinVar contains an entry for this variant (Variation ID: 51163). Invitae Evidence Modeling of protein sequence and biophysical properties (such as structural, functional, and spatial information, amino acid conservation, physicochemical variation, residue mobility, and thermodynamic stability) indicates that this missense variant is not expected to disrupt BRCA2 protein function with a negative predictive value of 95%. In summary, the available evidence is currently insufficient to determine the role of this variant in disease. Therefore, it has been classified as a Variant of Uncertain Significance.

Color Diagnostics, LLC DBA Color Health
Classification: Uncertain significance for Hereditary cancer-predisposing syndrome. Last evaluated: 2025-07-15. Review status: criteria provided, single submitter. Criteria: ACMG Guidelines, 2015. Collection method: clinical testing. Allele origin: germline.
Comment: This missense variant replaces serine with leucine at codon 547 of the BRCA2 protein. Computational prediction suggests that this variant may not impact protein structure and function. To our knowledge, functional studies have not been reported for this variant. Multifactorial analysis has reached a combined likelihood ratio (LR) of 4.273 based on reported LR for co-occurrence with a pathogenic variant and family history (PMID: 31131967). This variant has not been identified in the general population by the Genome Aggregation Database (gnomAD). The available evidence is insufficient to determine the role of this variant in disease conclusively. Therefore, this variant is classified as a Variant of Uncertain Significance.

Ambry Genetics
Classification: Uncertain significance for Hereditary cancer-predisposing syndrome. Last evaluated: 2023-11-29. Review status: criteria provided, single submitter. Criteria: Ambry Variant Classification Scheme 2023. Collection method: clinical testing. Allele origin: germline.
Comment: The p.S547L variant (also known as c.1640C>T), located in coding exon 9 of the BRCA2 gene, results from a C to T substitution at nucleotide position 1640. The serine at codon 547 is replaced by leucine, an amino acid with dissimilar properties. This amino acid position is well conserved in available vertebrate species. In addition, this alteration is predicted to be tolerated by in silico analysis. Since supporting evidence is limited at this time, the clinical significance of this alteration remains unclear.

University of Washington Department of Laboratory Medicine, University of Washington
Classification: Likely benign for Hereditary cancer-predisposing syndrome. Last evaluated: 2023-03-23. Review status: criteria provided, single submitter. Criteria: Dines et al. (Genet Med. 2020). Collection method: curation. Allele origin: germline.
Comment: Missense variant in a coldspot region where missense variants are very unlikely to be pathogenic (PMID:31911673).

BRCA2 exon 10 coldspot. Reclassification based on statistical prior probability.

Breast Cancer Information Core (BIC) (BRCA2)
Classification: Uncertain significance for Breast-ovarian cancer, familial 2. Last evaluated: 2001-10-29. Review status: no assertion criteria provided. Collection method: clinical testing. Allele origin: germline. Affected: yes. Observed: 1 variant allele. Not counted in ClinVar's aggregate classification.

Literature cited by the submitters: PubMed 25085752 (cited by Myriad Genetics, Inc.); PubMed 31131967 (cited by Color Diagnostics, LLC DBA Color Health).

NM_000059.4(BRCA2):c.1640C>T (p.Ser547Leu)

Gene: BRCA2 (BRCA2 DNA repair associated; plus strand). Cytogenetic location: 13q13.1.
Variant type: single nucleotide variant.
Coding change: c.1640C>T on transcript NM_000059.4 (MANE Select); coding-DNA position 1640, C replaced by T.
Protein change: p.Ser547Leu; replaces serine 547 with leucine.
Molecular consequence: missense variant.
Genome position (GRCh38, 1-based): chr13:32,333,118, C>T. VCF-style: chr13-32333118-C-T. GRCh37 (hg19) VCF-style: chr13-32907255-C-T.
Other names: short protein forms S547L.
Identifiers: ClinVar variation 51163 (VCV000051163.16), dbSNP rs80358449, ClinGen allele CA012716.